The following is an entry in ClinVar:

NM_017721.5(CC2D1A):c.2159G>A (p.Arg720His)

Gene: CC2D1A (coiled-coil and C2 domain containing 1A; plus strand). Cytogenetic location: 19p13.12.
Variant type: single nucleotide variant.
Coding change: c.2159G>A on transcript NM_017721.5 (MANE Select); coding-DNA position 2159, G replaced by A.
Protein change: p.Arg720His; replaces arginine 720 with histidine.
Molecular consequence: missense variant.
Genome position (GRCh38, 1-based): chr19:13,927,011, G>A. VCF-style: chr19-13927011-G-A. GRCh37 (hg19) VCF-style: chr19-14037824-G-A.
Other names: short protein forms R720H.
Identifiers: ClinVar variation 930493 (VCV000930493.3), dbSNP rs1194702277, ClinGen allele CA404395888.

ClinVar aggregate classification (germline): Uncertain significance (1 of 4 stars; one submission).

Conditions:
Intellectual developmental disorder, autosomal recessive 3. Also called: Intellectual disability, autosomal recessive 3. Identifiers: Orphanet 88616, MedGen C1838023, MONDO:0012037, OMIM 608443.

Allele frequency attached by ClinVar (database versions not stated): gnomAD exomes 0.00001 and below 0.00001; TOPMed 0.00001.
gnomAD v4.1: 6 of 1,614,062 alleles (0.00037%); highest among the groups gnomAD compares: Non-Finnish European, 0.00042%; no homozygotes.

Submission:

Centre for Mendelian Genomics, University Medical Centre Ljubljana
Classification: Uncertain significance for Intellectual developmental disorder, autosomal recessive 3. Last evaluated: 2019-05-16. Review status: criteria provided, single submitter. Criteria: ACMG Guidelines, 2015. Collection method: clinical testing. Allele origin: unknown. Affected: yes.
Comment: This variant was classified as: Uncertain significance. The available evidence on this variant's pathogenicity is insufficient or conflicting. The following ACMG criteria were applied in classifying this variant: PM2,PP3.